The following is an entry in ClinVar:

NM_024928.5(STN1):c.446C>A (p.Ala149Asp)

Gene: STN1 (STN1 subunit of CST complex; minus strand). Cytogenetic location: 10q24.33.
Variant type: single nucleotide variant.
Coding change: c.446C>A on transcript NM_024928.5 (MANE Select); coding-DNA position 446, C replaced by A.
Protein change: p.Ala149Asp; replaces alanine 149 with aspartic acid.
Molecular consequence: missense variant.
Genome position (GRCh38, 1-based): chr10:103,900,073, G>T on the plus strand (C>A on the coding strand, the complement: STN1 is on the minus strand). VCF-style: chr10-103900073-G-T. GRCh37 (hg19) VCF-style: chr10-105659831-G-T.
Other names: short protein forms A149D.
Identifiers: ClinVar variation 2089136 (VCV002089136.4), dbSNP rs758696465, ClinGen allele CA378047234.

ClinVar aggregate classification (germline): Uncertain significance (1 of 4 stars; one submission).

Submission:

Labcorp Genetics (formerly Invitae), Labcorp
Classification: Uncertain significance. Last evaluated: 2026-02-01. Review status: criteria provided, single submitter. Criteria: Invitae Variant Classification Sherloc (09022015). Collection method: clinical testing. Allele origin: germline.
Comment: This sequence change replaces alanine, which is neutral and non-polar, with aspartic acid, which is acidic and polar, at codon 149 of the STN1 protein (p.Ala149Asp). This variant is not present in population databases (gnomAD no frequency). This variant has not been reported in the literature in individuals affected with STN1-related conditions. ClinVar contains an entry for this variant (Variation ID: 2089136). Invitae Evidence Modeling of protein sequence and biophysical properties (such as structural, functional, and spatial information, amino acid conservation, physicochemical variation, residue mobility, and thermodynamic stability) indicates that this missense variant is expected to disrupt STN1 protein function with a positive predictive value of 80%. In summary, the available evidence is currently insufficient to determine the role of this variant in disease. Therefore, it has been classified as a Variant of Uncertain Significance.